The following is an entry in ClinVar:

ClinVar aggregate classification (germline): Benign (1 of 4 stars; one submission).

Conditions:
Dicarboxylic aminoaciduria (DCBXA). Also called: GLUTAMATE-ASPARTATE TRANSPORT DEFECT. Identifiers: Orphanet 2195, MedGen C1857253, MONDO:0009110, OMIM 222730.

Allele frequency attached by ClinVar (database versions not stated): gnomAD exomes 0.00080; 1000 Genomes Project 0.00859; gnomAD 0.00924 and 0.00997; 1000 Genomes Project 30x 0.00984; TOPMed 0.01037.
gnomAD v4.1: 1,433 of 199,572 alleles (0.72%); highest among the groups gnomAD compares: African/African-American, 3.1%; 25 homozygotes.

Submission:

Illumina Laboratory Services, Illumina
Classification: Benign for Dicarboxylic aminoaciduria. Last evaluated: 2018-01-13. Review status: criteria provided, single submitter. Criteria: ICSL Variant Classification Criteria 13 December 2019. Collection method: clinical testing. Allele origin: germline.
Comment: This variant was observed in the ICSL laboratory as part of a predisposition screen in an ostensibly healthy population. It had not been previously curated by ICSL or reported in the Human Gene Mutation Database (HGMD: prior to June 1st, 2018), and was therefore a candidate for classification through an automated scoring system. Utilizing variant allele frequency, disease prevalence and penetrance estimates, and inheritance mode, an automated score was calculated to assess if this variant is too frequent to cause the disease. Based on the score and internal cut-off values, a variant classified as benign is not then subjected to further curation. The score for this variant resulted in a classification of benign for this disease.

NM_004170.6(SLC1A1):c.*366T>C

Gene: SLC1A1 (solute carrier family 1 member 1; plus strand). Cytogenetic location: 9p24.2.
Variant type: single nucleotide variant.
Coding change: c.*366T>C on transcript NM_004170.6 (MANE Select); 366 bases downstream of the stop codon, T replaced by C.
Molecular consequence: 3 prime UTR variant.
Genome position (GRCh38, 1-based): chr9:4,585,924, T>C. VCF-style: chr9-4585924-T-C. GRCh37 (hg19) VCF-style: chr9-4585924-T-C.
Identifiers: ClinVar variation 367067 (VCV000367067.5), dbSNP rs77785435, ClinGen allele CA10627428.